The following is an entry in ClinVar:

NM_001042492.3(NF1):c.2410-12T>G

Gene: NF1 (neurofibromin 1; plus strand). Cytogenetic location: 17q11.2.
Variant type: single nucleotide variant.
Coding change: c.2410-12T>G on transcript NM_001042492.3 (MANE Select); 12 bases into the intron before coding-DNA position 2410, T replaced by G.
Molecular consequence: intron variant.
Genome position (GRCh38, 1-based): chr17:31,229,013, T>G. VCF-style: chr17-31229013-T-G. GRCh37 (hg19) VCF-style: chr17-29556031-T-G.
Other names: c.2410-12T>G (NM_000267.4).
Identifiers: ClinVar variation 653976 (VCV000653976.13), dbSNP rs876657932, ClinGen allele CA915949776.

ClinVar aggregate classification (germline): Pathogenic/Likely pathogenic. Review status: criteria provided, multiple submitters, no conflicts (2 of 4 stars). 5 submissions from 5 submitters: Pathogenic (3); Likely pathogenic (2). Last evaluated 2024-08-21.

Conditions:
Neurofibromatosis, type 1 (NF1). Also called: VON RECKLINGHAUSEN DISEASE; NEUROFIBROMATOSIS, TYPE I, SOMATIC; Peripheral type neurofibromatosis; Neurofibromatosis, type I. Identifiers: Orphanet 636, MedGen C0027831, MONDO:0018975, OMIM 162200. Disease mechanism: loss of function.
Juvenile myelomonocytic leukemia (JMML). Also called: LEUKEMIA, JUVENILE MYELOMONOCYTIC, SOMATIC. Identifiers: Orphanet 86834, MedGen C0349639, MONDO:0011908, OMIM 607785, HP:0012209.

gnomAD v4.1: 1 of 1,588,376 alleles (0.000063%); highest among the groups gnomAD compares: Non-Finnish European, 0.000086%; no homozygotes.

Submissions (5):

Labcorp Genetics (formerly Invitae), Labcorp
Classification: Pathogenic for Neurofibromatosis, type 1. Last evaluated: 2024-08-21. Review status: criteria provided, single submitter. Criteria: Invitae Variant Classification Sherloc (09022015). Collection method: clinical testing. Allele origin: germline.
Comment: This sequence change falls in intron 20 of the NF1 gene. It does not directly change the encoded amino acid sequence of the NF1 protein. RNA analysis indicates that this variant induces altered splicing and may result in an absent or altered protein product. This variant is not present in population databases (gnomAD no frequency). This variant has been observed in individual(s) with clinical features of neurofibromatosis type 1 (PMID: 12807981; internal data). In at least one individual the variant was observed to be de novo. ClinVar contains an entry for this variant (Variation ID: 653976). Studies have shown that this variant results in activation of a cryptic splice site, and produces a non-functional protein and/or introduces a premature termination codon (PMID: 12807981). For these reasons, this variant has been classified as Pathogenic.

GeneDx
Classification: Pathogenic. Last evaluated: 2024-05-14. Review status: criteria provided, single submitter. Criteria: GeneDx Variant Classification Process June 2021. Collection method: clinical testing. Allele origin: germline. Affected: yes.
Comment: Non-canonical splice site variant demonstrated to result in protein truncation or nonsense mediated decay in a gene for which loss-of-function is a known mechanism of disease (PMID: 12807981, 18546366); Not observed at significant frequency in large population cohorts (gnomAD); This variant is associated with the following publications: (PMID: 29680930, 24789688, 16141195, 36703223, 12807981, 18546366, 32126153)

Baylor Genetics
Classification: Pathogenic for Juvenile myelomonocytic leukemia. Last evaluated: 2023-07-29. Review status: criteria provided, single submitter. Criteria: ACMG Guidelines, 2015. Collection method: clinical testing. Allele origin: unknown.

Dubai Health Genomic Medicine Center, Dubai Health
Classification: Likely pathogenic. Last evaluated: 2022-12-17. Review status: criteria provided, single submitter. Criteria: ACMG Guidelines, 2015. Collection method: clinical testing. Allele origin: germline. Affected: yes.

Department of Pathology and Laboratory Medicine, Sinai Health System
Classification: Likely pathogenic for neurofibromatosis type 1. Review status: criteria provided, single submitter. Criteria: ACMG Guidelines, 2015. Collection method: clinical testing. Allele origin: germline.

Literature cited by the submitters: PubMed 12807981 (cited by Labcorp Genetics (formerly Invitae), Labcorp).